The following is an entry in ClinVar:

NM_022041.4(GAN):c.772C>A (p.Gln258Lys)

Gene: GAN (gigaxonin; plus strand). Cytogenetic location: 16q23.2.
Variant type: single nucleotide variant.
Coding change: c.772C>A on transcript NM_022041.4 (MANE Select); coding-DNA position 772, C replaced by A.
Protein change: p.Gln258Lys; replaces glutamine 258 with lysine.
Molecular consequence: missense variant.
Genome position (GRCh38, 1-based): chr16:81,356,923, C>A. VCF-style: chr16-81356923-C-A. GRCh37 (hg19) VCF-style: chr16-81390528-C-A.
Other names: c.133C>A, p.Gln45Lys (NM_001377486.1); short protein forms Q258K, Q45K.
Identifiers: ClinVar variation 4056013 (VCV004056013.1).

ClinVar aggregate classification (germline): Uncertain significance (1 of 4 stars; one submission).

Submission:

GeneDx
Classification: Uncertain significance. Last evaluated: 2025-01-06. Review status: criteria provided, single submitter. Criteria: GeneDx Variant Classification Process June 2021. Collection method: clinical testing. Allele origin: germline. Affected: yes.
Comment: Not observed at significant frequency in large population cohorts (gnomAD); Missense variants in this gene are a common cause of disease and they are underrepresented in the general population; In silico analysis supports that this missense variant has a deleterious effect on protein structure/function; Has not been previously published as pathogenic or benign to our knowledge